The following is an entry in ClinVar:

NM_177438.3(DICER1):c.2119G>A (p.Glu707Lys)

Gene: DICER1 (dicer 1, ribonuclease III; minus strand). Cytogenetic location: 14q32.13.
Variant type: single nucleotide variant.
Coding change: c.2119G>A on transcript NM_177438.3 (MANE Select); coding-DNA position 2119, G replaced by A.
Protein change: p.Glu707Lys; replaces glutamic acid 707 with lysine.
Molecular consequence: missense variant.
Genome position (GRCh38, 1-based): chr14:95,111,454, C>T on the plus strand (G>A on the coding strand, the complement: DICER1 is on the minus strand). VCF-style: chr14-95111454-C-T. GRCh37 (hg19) VCF-style: chr14-95577791-C-T.
Other names: c.2119G>A, p.Glu707Lys (NM_001195573.1, NM_001271282.3, NM_001291628.2 and 1 more transcripts); short protein forms E707K.
Identifiers: ClinVar variation 485538 (VCV000485538.15), dbSNP rs1555371642, ClinGen allele CA390882941.

ClinVar aggregate classification (germline): Uncertain significance. Review status: criteria provided, multiple submitters, no conflicts (2 of 4 stars). 2 submissions from 2 submitters: Uncertain significance (2). Last evaluated 2019-04-22.

Conditions:
DICER1-related tumor predisposition. Also called: DICER1-related pleuropulmonary blastoma cancer predisposition syndrome; DICER1 syndrome. Identifiers: Orphanet 284343, MedGen C3839822, MONDO:0100216.
Hereditary cancer-predisposing syndrome. Also called: Hereditary neoplastic syndrome; Neoplastic Syndromes, Hereditary; Tumor predisposition; Hereditary Cancer Syndrome. Identifiers: Orphanet 140162, MedGen C0027672, MeSH D009386, MONDO:0015356.

Allele frequency attached by ClinVar (database versions not stated): gnomAD exomes below 0.00001.
gnomAD v4.1: 1 of 1,613,944 alleles (0.000062%); highest among the groups gnomAD compares: Non-Finnish European, 0.000085%; no homozygotes.

Submissions (2):

Ambry Genetics
Classification: Uncertain significance for Hereditary cancer-predisposing syndrome. Last evaluated: 2019-04-22. Review status: criteria provided, single submitter. Criteria: Ambry Variant Classification Scheme 2023. Collection method: clinical testing. Allele origin: germline.
Comment: The p.E707K variant (also known as c.2119G>A), located in coding exon 13 of the DICER1 gene, results from a G to A substitution at nucleotide position 2119. The glutamic acid at codon 707 is replaced by lysine, an amino acid with similar properties. This amino acid position is highly conserved in available vertebrate species. In addition, this alteration is predicted to be deleterious by in silico analysis. Since supporting evidence is limited at this time, the clinical significance of this alteration remains unclear.

Labcorp Genetics (formerly Invitae), Labcorp
Classification: Uncertain significance for DICER1-related tumor predisposition. Last evaluated: 2018-10-30. Review status: criteria provided, single submitter. Criteria: Invitae Variant Classification Sherloc (09022015). Collection method: clinical testing. Allele origin: germline.
Comment: This variant has not been reported in the literature in individuals with DICER1-related disease. ClinVar contains an entry for this variant (Variation ID: 485538). This variant is not present in population databases (ExAC no frequency). This sequence change replaces glutamic acid with lysine at codon 707 of the DICER1 protein (p.Glu707Lys). The glutamic acid residue is highly conserved and there is a small physicochemical difference between glutamic acid and lysine. Algorithms developed to predict the effect of missense changes on protein structure and function (SIFT, PolyPhen-2, Align-GVGD) all suggest that this variant is likely to be disruptive, but these predictions have not been confirmed by published functional studies and their clinical significance is uncertain. In summary, the available evidence is currently insufficient to determine the role of this variant in disease. Therefore, it has been classified as a Variant of Uncertain Significance.